The following is an entry in ClinVar:

NM_004863.4(SPTLC2):c.575C>T (p.Ala192Val)

Gene: SPTLC2 (serine palmitoyltransferase long chain base subunit 2; minus strand). Cytogenetic location: 14q24.3.
Variant type: single nucleotide variant.
Coding change: c.575C>T on transcript NM_004863.4 (MANE Select); coding-DNA position 575, C replaced by T.
Protein change: p.Ala192Val; replaces alanine 192 with valine.
Molecular consequence: missense variant.
Genome position (GRCh38, 1-based): chr14:77,576,823, G>A on the plus strand (C>T on the coding strand, the complement: SPTLC2 is on the minus strand). VCF-style: chr14-77576823-G-A. GRCh37 (hg19) VCF-style: chr14-78043166-G-A.
Other names: short protein forms A192V.
Identifiers: ClinVar variation 538848 (VCV000538848.8), dbSNP rs776071727, ClinGen allele CA7289423.

ClinVar aggregate classification (germline): Uncertain significance (1 of 4 stars; one submission).

Conditions:
Neuropathy, hereditary sensory and autonomic, type 1C. Also called: HSAN IC; HSN IC. Identifiers: Orphanet 36386, MedGen C3150896, MONDO:0013337, OMIM 613640.

Allele frequency attached by ClinVar (database versions not stated): gnomAD exomes below 0.00001 and 0.00001; ExAC 0.00001; gnomAD 0.00001.

Submission:

Labcorp Genetics (formerly Invitae), Labcorp
Classification: Uncertain significance for Neuropathy, hereditary sensory and autonomic, type 1C. Last evaluated: 2017-11-15. Review status: criteria provided, single submitter. Criteria: Invitae Variant Classification Sherloc (09022015). Collection method: clinical testing. Allele origin: germline.
Comment: Algorithms developed to predict the effect of missense changes on protein structure and function do not agree on the potential impact of this missense change (SIFT: "Deleterious"; PolyPhen-2: "Benign"; Align-GVGD: "Class C0"). In summary, the available evidence is currently insufficient to determine the role of this variant in disease. Therefore, it has been classified as a Variant of Uncertain Significance. This variant has not been reported in the literature in individuals with SPTLC2-related disease. This sequence change replaces alanine with valine at codon 192 of the SPTLC2 protein (p.Ala192Val). The alanine residue is moderately conserved and there is a small physicochemical difference between alanine and valine. This variant is present in population databases (rs776071727, ExAC 0.001%).